The following is an entry in ClinVar:

NM_014516.4(CNOT3):c.1394C>T (p.Pro465Leu)

Gene: CNOT3 (CCR4-NOT transcription complex subunit 3; plus strand). Cytogenetic location: 19q13.42.
Variant type: single nucleotide variant.
Coding change: c.1394C>T on transcript NM_014516.4 (MANE Select); coding-DNA position 1394, C replaced by T.
Protein change: p.Pro465Leu; replaces proline 465 with leucine.
Molecular consequence: missense variant. On other transcripts: non-coding transcript variant (2).
Genome position (GRCh38, 1-based): chr19:54,148,731, C>T. VCF-style: chr19-54148731-C-T. GRCh37 (hg19) VCF-style: chr19-54652466-C-T.
Other names: c.1397C>T, p.Pro466Leu (NM_001440653.1, NM_001440655.1, NM_001440657.1 and 3 more transcripts); c.1394C>T, p.Pro465Leu (NM_001440654.1, NM_001440656.1, NM_001440658.1 and 1 more transcripts); c.851C>T, p.Pro284Leu (NM_001440659.1, NM_001440660.1); short protein forms P284L, P465L, P466L.
Identifiers: ClinVar variation 4527755 (VCV004527755.1).

ClinVar aggregate classification (germline): Uncertain significance (1 of 4 stars; one submission).

Submission:

GeneDx
Classification: Uncertain significance. Last evaluated: 2025-04-30. Review status: criteria provided, single submitter. Criteria: GeneDx Variant Classification Process June 2021. Collection method: clinical testing. Allele origin: germline. Affected: yes.
Comment: Not observed at significant frequency in large population cohorts (gnomAD); In silico analysis supports that this missense variant has a deleterious effect on protein structure/function; Has not been previously published as pathogenic or benign to our knowledge